The following is an entry in ClinVar:

NM_001101362.3(KBTBD13):c.1246A>G (p.Ile416Val)

Gene: KBTBD13 (kelch repeat and BTB domain containing 13; plus strand). Cytogenetic location: 15q22.31.
Variant type: single nucleotide variant.
Coding change: c.1246A>G on transcript NM_001101362.3 (MANE Select); coding-DNA position 1246, A replaced by G.
Protein change: p.Ile416Val; replaces isoleucine 416 with valine.
Molecular consequence: missense variant.
Genome position (GRCh38, 1-based): chr15:65,078,061, A>G. VCF-style: chr15-65078061-A-G. GRCh37 (hg19) VCF-style: chr15-65370399-A-G.
Other names: short protein forms I416V.
Identifiers: ClinVar variation 4797715 (VCV004797715.1).

ClinVar aggregate classification (germline): Uncertain significance (1 of 4 stars; one submission).

Conditions:
Nemaline myopathy 6 (NEM6). Also called: Nemaline myopathy 6, autosomal dominant. Identifiers: Orphanet 171439, MedGen C1836472, MONDO:0012237, OMIM 609273.

gnomAD v4.1: 5 of 1,600,774 alleles (0.00031%); highest among the groups gnomAD compares: Admixed American, 0.0067%; no homozygotes.

Submission:

Labcorp Genetics (formerly Invitae), Labcorp
Classification: Uncertain significance for Nemaline myopathy 6. Last evaluated: 2025-03-05. Review status: criteria provided, single submitter. Criteria: Invitae Variant Classification Sherloc (09022015). Collection method: clinical testing. Allele origin: germline.
Comment: This sequence change replaces isoleucine, which is neutral and non-polar, with valine, which is neutral and non-polar, at codon 416 of the KBTBD13 protein (p.Ile416Val). This variant is present in population databases (rs763604024, gnomAD 0.006%). This variant has not been reported in the literature in individuals affected with KBTBD13-related conditions. An algorithm developed to predict the effect of missense changes on protein structure and function outputs the following: PolyPhen-2: "Benign". The valine amino acid residue is found in multiple mammalian species, which suggests that this missense change does not adversely affect protein function. In summary, the available evidence is currently insufficient to determine the role of this variant in disease. Therefore, it has been classified as a Variant of Uncertain Significance.